The following is an entry in ClinVar:

NM_001002295.2(GATA3):c.86del (p.Pro29fs)

Gene: GATA3 (GATA binding protein 3; plus strand). Cytogenetic location: 10p14.
Variant type: Deletion.
Coding change: c.86del on transcript NM_001002295.2 (MANE Select); coding-DNA position 86, one base deleted (C; older notation c.86delC).
Protein change: p.Pro29fs; shifts the reading frame from proline 29.
Molecular consequence: frameshift variant.
Genome position (GRCh38, 1-based): chr10:8,055,741, C deleted; the last of 3 consecutive C bases (chr10:8,055,739-8,055,741); deleting any one gives the same sequence. VCF-style (leftmost placement, unchanged base first): chr10-8055738-AC-A. GRCh37 (hg19) VCF-style: chr10-8097701-AC-A.
Other names: c.86del, p.Pro29fs (NM_002051.3); short protein forms P29fs.
Identifiers: ClinVar variation 3727218 (VCV003727218.2).

ClinVar aggregate classification (germline): Pathogenic (1 of 4 stars; one submission).

Submission:

Labcorp Genetics (formerly Invitae), Labcorp
Classification: Pathogenic. Last evaluated: 2024-12-12. Review status: criteria provided, single submitter. Criteria: Invitae Variant Classification Sherloc (09022015). Collection method: clinical testing. Allele origin: germline.
Comment: This sequence change creates a premature translational stop signal (p.Pro29Argfs*166) in the GATA3 gene. It is expected to result in an absent or disrupted protein product. Loss-of-function variants in GATA3 are known to be pathogenic (PMID: 14985365, 21242646). This variant is not present in population databases (gnomAD no frequency). This variant has not been reported in the literature in individuals affected with GATA3-related conditions. For these reasons, this variant has been classified as Pathogenic.

Literature cited by the submitters: PubMed 14985365; PubMed 21242646.